The following is an entry in ClinVar:

NM_001009944.3(PKD1):c.10882G>A (p.Asp3628Asn)

Genes: PKD1 (polycystin 1, transient receptor potential channel interacting; minus strand), PKD1-AS1 (PKD1 antisense RNA 1; plus strand). Cytogenetic location: 16p13.3.
Variant type: single nucleotide variant.
Coding change: c.10882G>A on transcript NM_001009944.3 (MANE Select); coding-DNA position 10882, G replaced by A.
Protein change: p.Asp3628Asn; replaces aspartic acid 3628 with asparagine.
Molecular consequence: missense variant.
Genome position (GRCh38, 1-based): chr16:2,093,678, C>T on the plus strand (G>A on the coding strand, the complement: PKD1 is on the minus strand). VCF-style: chr16-2093678-C-T. GRCh37 (hg19) VCF-style: chr16-2143679-C-T.
Other names: c.10879G>A, p.Asp3627Asn (NM_000296.4); short protein forms D3627N, D3628N.
Identifiers: ClinVar variation 5019399 (VCV005019399.2).

ClinVar aggregate classification (germline): Uncertain significance (1 of 4 stars; one submission).

Conditions:
Polycystic kidney disease, adult type (PKD1). Also called: Polycystic Kidney Disease 1, Autosomal Dominant; Polycystic kidney disease 1; Polycystic kidney disease 1, severe; POLYCYSTIC KIDNEY DISEASE, ADULT, TYPE I; POLYCYSTIC KIDNEY DISEASE 1 WITH OR WITHOUT POLYCYSTIC LIVER DISEASE; Polycystic Kidney, Autosomal Dominant. Identifiers: MedGen C3149841, MONDO:0008263, OMIM 173900.

Submission:

Juno Genomics, Hangzhou Juno Genomics, Inc
Classification: Uncertain significance for Polycystic kidney disease, adult type. Review status: criteria provided, single submitter. Criteria: ACMG Guidelines, 2015. Collection method: clinical testing. Allele origin: germline.
Comment: Absent from controls (or at extremely low frequency if recessive) in Genome Aggregation Database.;Patient's phenotype or family history is highly specific for a disease with a single genetic etiology.